The following is an entry in ClinVar:

ClinVar aggregate classification (germline): Benign. Review status: criteria provided, multiple submitters, no conflicts (2 of 4 stars). 6 submissions from 6 submitters: Benign (6). Last evaluated 2026-02-02.

Conditions:
Cone-rod dystrophy 9 (CORD9). Identifiers: Orphanet 1872, MedGen C1423873, MONDO:0013002, OMIM 612775.

Allele frequency attached by ClinVar (database versions not stated): 1000 Genomes Project 0.02196; 1000 Genomes Project 30x 0.02233; ESP Exome Variant Server 0.03892; TOPMed 0.03629; gnomAD 0.03966 and 0.04055; ExAC 0.04383; gnomAD exomes 0.04038 and 0.04872.

Submissions (6):

Labcorp Genetics (formerly Invitae), Labcorp
Classification: Benign. Last evaluated: 2026-02-02. Review status: criteria provided, single submitter. Criteria: Invitae Variant Classification Sherloc (09022015). Collection method: clinical testing. Allele origin: germline.

GeneDx
Classification: Benign. Last evaluated: 2018-08-30. Review status: criteria provided, single submitter. Criteria: GeneDx Variant Classification Process June 2021. Collection method: clinical testing. Allele origin: germline. Affected: yes.

Illumina Laboratory Services, Illumina
Classification: Benign for Cone-rod dystrophy 9. Last evaluated: 2018-01-13. Review status: criteria provided, single submitter. Criteria: ICSL Variant Classification Criteria 13 December 2019. Collection method: clinical testing. Allele origin: germline.
Comment: This variant was observed in the ICSL laboratory as part of a predisposition screen in an ostensibly healthy population. It had not been previously curated by ICSL or reported in the Human Gene Mutation Database (HGMD: prior to June 1st, 2018), and was therefore a candidate for classification through an automated scoring system. Utilizing variant allele frequency, disease prevalence and penetrance estimates, and inheritance mode, an automated score was calculated to assess if this variant is too frequent to cause the disease. Based on the score and internal cut-off values, a variant classified as benign is not then subjected to further curation. The score for this variant resulted in a classification of benign for this disease.

Eurofins Ntd Llc (ga)
Classification: Benign. Last evaluated: 2016-10-25. Review status: criteria provided, single submitter. Criteria: EGL Classification Definitions 2015. Collection method: clinical testing. Allele origin: germline. Observed: 1 variant allele, 1 heterozygote.

Breakthrough Genomics
Classification: Benign. Review status: criteria provided, single submitter. Criteria: ACMG Guidelines, 2015. Collection method: not provided. Allele origin: germline. Inheritance: Autosomal recessive inheritance. Affected: yes.

PreventionGenetics, part of Exact Sciences
Classification: Benign. Review status: criteria provided, single submitter. Criteria: ACMG Guidelines, 2015. Collection method: clinical testing. Allele origin: germline.

NM_003816.3(ADAM9):c.78C>A (p.Val26=)

Genes: ADAM9 (ADAM metallopeptidase domain 9; plus strand), LOC130000261 (ATAC-STARR-seq lymphoblastoid active region 27275; plus strand). Cytogenetic location: 8p11.22.
Variant type: single nucleotide variant.
Coding change: c.78C>A on transcript NM_003816.3 (MANE Select); coding-DNA position 78, C replaced by A.
Protein change: p.Val26=; no amino-acid change (valine 26 retained).
Molecular consequence: synonymous variant. On other transcripts: non-coding transcript variant (3).
Genome position (GRCh38, 1-based): chr8:38,997,141, C>A. VCF-style: chr8-38997141-C-A. GRCh37 (hg19) VCF-style: chr8-38854660-C-A.
Identifiers: ClinVar variation 259176 (VCV000259176.19), dbSNP rs148707472, ClinGen allele CA4721188.